The following continues an entry in ClinVar:

NM_000051.4(ATM):c.4258C>T (p.Leu1420Phe)

Gene: ATM. ClinVar aggregate classification (germline): Benign/Likely benign. Benign (15); Likely benign (4).

Submissions 26 to 29 of 29:

Department of Pathology and Laboratory Medicine, Sinai Health System
Classification: Benign for Malignant tumor of breast. Review status: no assertion criteria provided. Collection method: clinical testing. Allele origin: unknown. Affected: yes. Study: The Canadian Open Genetics Repository (COGR). Not counted in ClinVar's aggregate classification.
Comment: The ATM p.Leu1420Phe variant was identified in 81 of 4298 proband chromosomes (frequency: 0.02) from English, French, Dutch, American Indian/Non-Indian, Australian and North American individuals or families with familial and primary breast cancers, AT disease, CML, and individuals undergoing radiation therapy and was present in 108 of 6302 control chromosomes (frequency: 0.02) from healthy individuals (Johnson 2007 , LaPaglia 2010, Broeks 2008, Melo 2001, Petereit 2013, Renwick 2006, Li 2000, Thompson 2005, ). In 2 population-based, case-control studies, the variant was found not to increase breast cancer risk (Einarsdottir 2006, Thompson 2005). The variant was also identified in dbSNP (ID: rs1800058) as â€šÃ„Ãºotherâ€šÃ„Ã¹, ClinVar (classified as conflicting interpretations of pathogenicity: classified benign by GeneDx, Div of Genomic Diagnostics, Children's Hospital of Philadelphia, Vantari Genetics, Prevention Genetics, Emory Genetics, Color Genomics Inc., Invitae; likely benign by Genetic Services Laboratory, U of Chicago; uncertain significance by Ambry Genetics; and unclassified by ITMI), Clinvitae (5X), LOVD 3.0 (2X), ATM-LOVD (1x). The variant was not identified in GeneInsight-COGR, Cosmic and MutDB. The variant was identified in control databases in 3069 (22 homozygous) of 272226 chromosomes at a frequency of 0.01 increasing the likelihood this could be a low frequency benign variant (Genome Aggregation Consortium Feb 27, 2017), identified in the following populations at a frequency greater than 1%: European (Non-Finnish) in 2316 of 124884 chromosomes (freq: 0.019), European (Finnish) in 279 of 25640 chromosomes (freq: 0.011), Other in 67 of 6316 chromosomes (freq: 0.011). The p.Leu1420 residue is conserved in mammals and computational analyses (PolyPhen-2, SIFT, AlignGVGD, BLOSUM, MutationTaster) provide inconsistent predictions regarding the impact to the protein; this information is not very predictive of pathogenicity. The variant occurs outside of the splicing consensus sequence and in silico or computational prediction software programs (SpliceSiteFinder, MaxEntScan, NNSPLICE, GeneSplicer, HumanSpliceFinder) do not predict a difference in splicing. In summary, based on the above information, this variant meets our laboratory's criteria to be classified as benign.

Genetic Services Laboratory, University of Chicago
Classification: Likely benign for AllHighlyPenetrant. Review status: no assertion criteria provided. Collection method: clinical testing. Allele origin: germline. Inheritance: Autosomal recessive inheritance. Not counted in ClinVar's aggregate classification.
Comment: Likely benign based on allele frequency in 1000 Genomes Project or ESP global frequency and its presence in a patient with a rare or unrelated disease phenotype. NOT Sanger confirmed.

Joint Genome Diagnostic Labs from Nijmegen and Maastricht, Radboudumc and MUMC+
Classification: Benign. Review status: no assertion criteria provided. Collection method: clinical testing. Allele origin: germline. Affected: yes. Study: VKGL Data-share Consensus. Not counted in ClinVar's aggregate classification.

Laboratory of Diagnostic Genome Analysis, Leiden University Medical Center (LUMC)
Classification: Likely benign. Review status: no assertion criteria provided. Collection method: clinical testing. Allele origin: germline. Affected: yes. Study: VKGL Data-share Consensus. Not counted in ClinVar's aggregate classification.

Literature cited by the submitters: PubMed 10817650 (cited by Athena Diagnostics and Illumina Laboratory Services, Illumina); PubMed 12810666 (cited by Athena Diagnostics); PubMed 15101044 (cited by Athena Diagnostics); PubMed 15880680 (cited by Athena Diagnostics); PubMed 20826828 (cited by Athena Diagnostics and Illumina Laboratory Services, Illumina); PubMed 27413114 (cited by Athena Diagnostics); PubMed 23217326 (cited by Athena Diagnostics); PubMed 18701470 (cited by Athena Diagnostics); PubMed 22995991 (cited by Athena Diagnostics); PubMed 24728327 (cited by Athena Diagnostics and ITMI); PubMed 27153395 (cited by Athena Diagnostics and Ambry Genetics); PubMed 23585524 (cited by Athena Diagnostics); PubMed 11505391 (cited by Athena Diagnostics); PubMed 17132159 (cited by Ambry Genetics).